The following is an entry in ClinVar:

ClinVar aggregate classification (germline): Uncertain significance (1 of 4 stars; one submission).

Conditions:
Hereditary cancer-predisposing syndrome. Also called: Neoplastic Syndromes, Hereditary; Hereditary Cancer Syndrome; Tumor predisposition; Hereditary neoplastic syndrome. Identifiers: Orphanet 140162, MedGen C0027672, MeSH D009386, MONDO:0015356.

Submission:

Labcorp Genetics (formerly Invitae), Labcorp
Classification: Uncertain significance for Hereditary cancer-predisposing syndrome. Last evaluated: 2022-07-25. Review status: criteria provided, single submitter. Criteria: Invitae Variant Classification Sherloc (09022015). Collection method: clinical testing. Allele origin: germline.
Comment: In summary, the available evidence is currently insufficient to determine the role of this variant in disease. Therefore, it has been classified as a Variant of Uncertain Significance. Variants that disrupt the consensus splice site are a relatively common cause of aberrant splicing (PMID: 17576681, 9536098). Algorithms developed to predict the effect of sequence changes on RNA splicing suggest that this variant may disrupt the consensus splice site. ClinVar contains an entry for this variant (Variation ID: 970592). This variant has not been reported in the literature in individuals affected with RAD50-related conditions. This variant is not present in population databases (gnomAD no frequency). This sequence change falls in intron 3 of the RAD50 gene. It does not directly change the encoded amino acid sequence of the RAD50 protein. It affects a nucleotide within the consensus splice site.

Literature cited by the submitters: PubMed 17576681; PubMed 9536098.

NM_005732.4(RAD50):c.365+4G>A

Gene: RAD50 (RAD50 double strand break repair protein; plus strand). Cytogenetic location: 5q31.1.
Variant type: single nucleotide variant.
Coding change: c.365+4G>A on transcript NM_005732.4 (MANE Select); 4 bases into the intron after coding-DNA position 365, G replaced by A.
Molecular consequence: intron variant.
Genome position (GRCh38, 1-based): chr5:132,575,932, G>A. VCF-style: chr5-132575932-G-A. GRCh37 (hg19) VCF-style: chr5-131911624-G-A.
Identifiers: ClinVar variation 970592 (VCV000970592.10), dbSNP rs1750390427, ClinGen allele CA1139659054.